The following is an entry in ClinVar:

ClinVar aggregate classification (germline): Uncertain significance (1 of 4 stars; one submission).

Allele frequency attached by ClinVar (database versions not stated): gnomAD exomes below 0.00001; gnomAD 0.00001; TOPMed 0.00001.

Submission:

Labcorp Genetics (formerly Invitae), Labcorp
Classification: Uncertain significance. Last evaluated: 2022-11-06. Review status: criteria provided, single submitter. Criteria: Invitae Variant Classification Sherloc (09022015). Collection method: clinical testing. Allele origin: germline.
Comment: In summary, the available evidence is currently insufficient to determine the role of this variant in disease. Therefore, it has been classified as a Variant of Uncertain Significance. Algorithms developed to predict the effect of sequence changes on RNA splicing suggest that this variant may disrupt the consensus splice site. This variant has not been reported in the literature in individuals affected with ITGAM-related conditions. This variant is present in population databases (no rsID available, gnomAD 0.01%). This sequence change creates a premature translational stop signal (p.Ser188Leufs*2) in the ITGAM gene. It is expected to result in an absent or disrupted protein product. However, the current clinical and genetic evidence is not sufficient to establish whether loss-of-function variants in ITGAM cause disease.

NM_000632.4(ITGAM):c.561del (p.Ser188fs)

Gene: ITGAM (integrin subunit alpha M; plus strand). Cytogenetic location: 16p11.2.
Variant type: Deletion.
Coding change: c.561del on transcript NM_000632.4 (MANE Select); coding-DNA position 561, one base deleted (C; older notation c.561delC).
Protein change: p.Ser188fs; shifts the reading frame from serine 188.
Molecular consequence: frameshift variant.
Genome position (GRCh38, 1-based): chr16:31,271,849, C deleted. VCF-style (leftmost placement, unchanged base first): chr16-31271848-TC-T. GRCh37 (hg19) VCF-style: chr16-31283169-TC-T.
Other names: c.561del, p.Ser188fs (NM_001145808.2); short protein forms S188fs.
Identifiers: ClinVar variation 2893192 (VCV002893192.3), dbSNP rs1347933148, ClinGen allele CA494710106.
Genomic context (GRCh38, chr16:31,271,848, plus strand): 5'-GAGATGTCTGAGGGGTGGGGGCACCTTCTCCAGCATCACACCAGCCGCCCCCTCCGCAGT[TC>T]TCTTTGATGCAGTACTCTGAAGAATTCCGGATTCACTTTACCTTCAAAGAGTTCCAGAAC-3'